The following is an entry in ClinVar:

ClinVar aggregate classification (germline): Uncertain significance (1 of 4 stars; one submission).

Submission:

Dasa
Classification: Uncertain significance. Last evaluated: 2026-06-15. Review status: criteria provided, single submitter. Criteria: DASA Assertion Criteria. Collection method: clinical testing. Allele origin: germline.
Comment: NM_001367721.1(CASK):c.2361T>G (p.Asn787Lys) is a missense variant that results in the substitution of asparagine with lysine. This variant is rare in population databases. Computational prediction algorithms are consistent with a benign effect. The currently available literature and clinical evidence are not sufficient to establish a definitive association between this variant and the reported condition. Therefore, this variant is classified as a variant of uncertain significance.

NM_001367721.1(CASK):c.2361T>G (p.Asn787Lys)

Gene: CASK (calcium/calmodulin dependent serine protein kinase; minus strand). Cytogenetic location: Xp11.4.
Variant type: single nucleotide variant.
Coding change: c.2361T>G on transcript NM_001367721.1 (MANE Select); coding-DNA position 2361, T replaced by G.
Protein change: p.Asn787Lys; replaces asparagine 787 with lysine.
Molecular consequence: missense variant.
Genome position (GRCh38, 1-based): chrX:41,531,166, A>C on the plus strand (T>G on the coding strand, the complement: CASK is on the minus strand). VCF-style: chrX-41531166-A-C. GRCh37 (hg19) VCF-style: chrX-41390419-A-C.
Other names: c.2277T>G, p.Asn759Lys (NM_001126054.3); c.2274T>G, p.Asn758Lys (NM_001126055.3); c.2343T>G, p.Asn781Lys (NM_001410745.1); c.2346T>G, p.Asn782Lys (NM_003688.4); short protein forms N758K, N759K, N781K, N782K, N787K.
Identifiers: ClinVar variation 5020381 (VCV005020381.1).